The following is an entry in ClinVar:

ClinVar aggregate classification (germline): Conflicting classifications of pathogenicity. Review status: criteria provided, conflicting classifications (1 of 4 stars). 4 submissions from 4 submitters: Uncertain significance (1); Benign (1); Likely benign (1). 1 of the submissions does not count toward it. Last evaluated 2025-09-06.

Conditions:
CDKL5 disorder. Identifiers: MedGen CN296942, MONDO:0100039.
Angelman syndrome-like. Identifiers: MedGen CN128785.
Developmental and epileptic encephalopathy, 2 (DEE2). Also called: CDKL5 deficiency disorder; INFANTILE SPASM SYNDROME, X-LINKED 2. Identifiers: Orphanet 1934, Orphanet 3451, Orphanet 505652, MedGen C4750718, MONDO:0010396, OMIM 300672.

Allele frequency attached by ClinVar (database versions not stated): TOPMed 0.00003; 1000 Genomes Project 30x 0.00021; 1000 Genomes Project 0.00026; gnomAD 0.00004.
gnomAD v4.1: 24 of 1,210,256 alleles (0.002%); highest among the groups gnomAD compares: South Asian, 0.016%; no homozygotes.

Submissions (4):

Labcorp Genetics (formerly Invitae), Labcorp
Classification: Benign for Developmental and epileptic encephalopathy, 2; Angelman syndrome-like. Last evaluated: 2025-09-06. Review status: criteria provided, single submitter. Criteria: Invitae Variant Classification Sherloc (09022015). Collection method: clinical testing. Allele origin: germline.

Centre for Population Genomics, CPG
Classification: Likely benign for CDKL5 disorder. Last evaluated: 2024-09-19. Review status: criteria provided, single submitter. Criteria: McKnight et al. (Hum Mutat. 2022). Collection method: curation. Allele origin: germline. Inheritance: X-linked inheritance.
Comment: This variant has been collected from RettBASE and curated to current modified ACMG/AMP criteria. Based on the classification scheme defined by the ClinGen Rett/Angelman-like Expert Panel for Rett/AS-like Disorders Specifications to the ACMG/AMP Variant Interpretation Guidelines VCEP 3.0, this variant is classified as likely benign. At least the following criteria are met: The allele frequency of this variant in at least one population in gnomAD is between 0.008% and 0.03% (BS1). The variant is observed in at least 1 individual with no features of CDKL5 disorder (PMID: 19241098). Computational prediction analysis tools suggest no impact on gene product (REVEL score <= 0.15) (BP4).

Laboratory of Inherited Metabolic Diseases, Research centre for medical genetics
Classification: Uncertain significance for Developmental and epileptic encephalopathy, 2. Last evaluated: 2020-02-14. Review status: criteria provided, single submitter. Criteria: ACMG Guidelines, 2015. Collection method: clinical testing. Allele origin: unknown. Inheritance: X-linked inheritance. Affected: yes.

RettBASE
Classification: Uncertain significance. Last evaluated: 2014-03-13. Review status: no assertion criteria provided. Collection method: curation. Allele origin: unknown. Observed: 1 variant allele. Not counted in ClinVar's aggregate classification.
Comment: Paper ambiguous as to carrier status; In silico prediction: SIFT = deleterious, MutationTaster = polymorphism, PolyPhen2 = benign, AlignGVGD = benign (C0)

Literature cited by the submitters: PubMed 19241098 (cited by RettBASE).

NM_000330.4(RS1):c.326+1131G>A

Genes: CDKL5 (cyclin dependent kinase like 5; plus strand), RS1 (retinoschisin 1; minus strand). Cytogenetic location: Xp22.13.
Variant type: single nucleotide variant.
Coding change: c.326+1131G>A on transcript NM_000330.4 (MANE Select); 1131 bases into the intron after coding-DNA position 326, G replaced by A.
Molecular consequence: intron variant. On other transcripts: missense variant (2).
Genome position (GRCh38, 1-based): chrX:18,646,060, C>T on the plus strand (G>A on the coding strand, the complement: RS1 is on the minus strand). VCF-style: chrX-18646060-C-T. GRCh37 (hg19) VCF-style: chrX-18664180-C-T.
Other names: c.2767C>T, p.Arg923Cys (NM_003159.3, NM_001037343.2); short protein forms R923C.
Identifiers: ClinVar variation 143810 (VCV000143810.13), dbSNP rs267608664, ClinGen allele CA170481.